The following is an entry in ClinVar:

ClinVar aggregate classification (germline): Uncertain significance. Review status: criteria provided, multiple submitters, no conflicts (2 of 4 stars). 2 submissions from 2 submitters: Uncertain significance (2). Last evaluated 2023-08-08.

Conditions:
Hereditary cancer-predisposing syndrome. Also called: Neoplastic Syndromes, Hereditary; Hereditary Cancer Syndrome; Hereditary neoplastic syndrome; Tumor predisposition. Identifiers: Orphanet 140162, MedGen C0027672, MeSH D009386, MONDO:0015356.

Submissions (2):

Labcorp Genetics (formerly Invitae), Labcorp
Classification: Uncertain significance for Hereditary cancer-predisposing syndrome. Last evaluated: 2023-08-08. Review status: criteria provided, single submitter. Criteria: Invitae Variant Classification Sherloc (09022015). Collection method: clinical testing. Allele origin: germline.
Comment: In summary, the available evidence is currently insufficient to determine the role of this variant in disease. Therefore, it has been classified as a Variant of Uncertain Significance. Advanced modeling of protein sequence and biophysical properties (such as structural, functional, and spatial information, amino acid conservation, physicochemical variation, residue mobility, and thermodynamic stability) performed at Invitae indicates that this missense variant is not expected to disrupt RAD50 protein function. ClinVar contains an entry for this variant (Variation ID: 2565927). This sequence change replaces leucine, which is neutral and non-polar, with phenylalanine, which is neutral and non-polar, at codon 742 of the RAD50 protein (p.Leu742Phe). This variant has not been reported in the literature in individuals affected with RAD50-related conditions. This variant is not present in population databases (gnomAD no frequency).

Ambry Genetics
Classification: Uncertain significance for Hereditary cancer-predisposing syndrome. Last evaluated: 2023-03-17. Review status: criteria provided, single submitter. Criteria: Ambry Variant Classification Scheme 2023. Collection method: clinical testing. Allele origin: germline.
Comment: The p.L742F variant (also known as c.2226G>T), located in coding exon 14 of the RAD50 gene, results from a G to T substitution at nucleotide position 2226. The leucine at codon 742 is replaced by phenylalanine, an amino acid with highly similar properties. This amino acid position is conserved. In addition, this alteration is predicted to be tolerated by in silico analysis. Since supporting evidence is limited at this time, the clinical significance of this alteration remains unclear.

NM_005732.4(RAD50):c.2226G>T (p.Leu742Phe)

Gene: RAD50 (RAD50 double strand break repair protein; plus strand). Cytogenetic location: 5q31.1.
Variant type: single nucleotide variant.
Coding change: c.2226G>T on transcript NM_005732.4 (MANE Select); coding-DNA position 2226, G replaced by T.
Protein change: p.Leu742Phe; replaces leucine 742 with phenylalanine.
Molecular consequence: missense variant.
Genome position (GRCh38, 1-based): chr5:132,603,318, G>T. VCF-style: chr5-132603318-G-T. GRCh37 (hg19) VCF-style: chr5-131939010-G-T.
Other names: short protein forms L742F.
Identifiers: ClinVar variation 2565927 (VCV002565927.5), dbSNP rs1554099080, ClinGen allele CA360953758.